The following is an entry in ClinVar:

NM_024537.4(CARS2):c.1191del (p.Arg398fs)

Gene: CARS2 (cysteinyl-tRNA synthetase 2, mitochondrial; minus strand). Cytogenetic location: 13q34.
Variant type: Deletion.
Coding change: c.1191del on transcript NM_024537.4 (MANE Select); coding-DNA position 1191, one base deleted (G; older notation c.1191delG).
Protein change: p.Arg398fs; shifts the reading frame from arginine 398.
Molecular consequence: frameshift variant. On other transcripts: non-coding transcript variant (2).
Genome position (GRCh38, 1-based): chr13:110,647,103, C deleted on the plus strand (G on the coding strand, the reverse complement: CARS2 is on the minus strand). VCF-style (leftmost placement, unchanged base first): chr13-110647102-TC-T. GRCh37 (hg19) VCF-style: chr13-111299449-TC-T.
Other names: c.405del, p.Arg136fs (NM_001352252.2); short protein forms R136fs, R398fs.
Identifiers: ClinVar variation 4719512 (VCV004719512.1).

ClinVar aggregate classification (germline): Uncertain significance (1 of 4 stars; one submission).

Conditions:
Combined oxidative phosphorylation defect type 27. Also called: Combined oxidative phosphorylation deficiency 27. Identifiers: Orphanet 477774, MedGen C5567608, MONDO:0014728, OMIM 616672.

Submission:

Labcorp Genetics (formerly Invitae), Labcorp
Classification: Uncertain significance for Combined oxidative phosphorylation defect type 27. Last evaluated: 2025-05-18. Review status: criteria provided, single submitter. Criteria: Invitae Variant Classification Sherloc (09022015). Collection method: clinical testing. Allele origin: germline.
Comment: This sequence change creates a premature translational stop signal (p.Arg398Glyfs*9) in the CARS2 gene. It is expected to result in an absent or disrupted protein product. However, the current clinical and genetic evidence is not sufficient to establish whether loss-of-function variants in CARS2 cause disease. This variant is not present in population databases (gnomAD no frequency). This variant has not been reported in the literature in individuals affected with CARS2-related conditions. In summary, the available evidence is currently insufficient to determine the role of this variant in disease. Therefore, it has been classified as a Variant of Uncertain Significance.